The following is an entry in ClinVar:

NM_016077.5(PTRH2):c.323G>A (p.Trp108Ter)

Gene: PTRH2 (peptidyl-tRNA hydrolase 2; minus strand). Cytogenetic location: 17q23.1.
Variant type: single nucleotide variant.
Coding change: c.323G>A on transcript NM_016077.5 (MANE Select); coding-DNA position 323, G replaced by A.
Protein change: p.Trp108Ter; replaces tryptophan 108 with a stop codon.
Molecular consequence: nonsense.
Genome position (GRCh38, 1-based): chr17:59,697,656, C>T on the plus strand (G>A on the coding strand, the complement: PTRH2 is on the minus strand). VCF-style: chr17-59697656-C-T. GRCh37 (hg19) VCF-style: chr17-57775017-C-T.
Other names: c.326G>A, p.Trp109Ter (NM_001015509.3); short protein forms W108*, W109*.
Identifiers: ClinVar variation 4880212 (VCV004880212.1).

ClinVar aggregate classification (germline): Pathogenic (1 of 4 stars; one submission).

Conditions:
Neurologic, endocrine, and pancreatic disease, multisystem, infantile-onset 1 (IMNEPD1). Identifiers: Orphanet 456312, MedGen C4015728, MONDO:8000012, OMIM 616263.

gnomAD v4.1: 4 of 1,614,176 alleles (0.00025%); highest among the groups gnomAD compares: South Asian, 0.0011%; no homozygotes.

Submission:

Wales Gene Park, Division Of Cancer and Genetics, Cardiff University
Classification: Pathogenic for Neurologic, endocrine, and pancreatic disease, multisystem, infantile-onset 1. Last evaluated: 2026-04-28. Review status: criteria provided, single submitter. Criteria: ACGS Best Practice Guidelines for Variant Classification in Rare Disease 2024. Collection method: research. Allele origin: biparental. Inheritance: Autosomal recessive inheritance. Affected: yes. Study: 100,000 Genomes Project (Wales).
Comment: Homozygous PTRH2 nonsense variant detected by trio genome sequencing. Low frequency in gnomAD (v4.1.1). Variant previously reported homozygous in a family with infantile-onset multisystem neurologic endocrine and pancreatic disease (PMID: 31057140). Evidence codes: PM2, PVS1, PM3.

Literature cited by the submitters: PubMed 31057140.